The following is an entry in ClinVar:

NC_000007.13:g.(?_44102363)_(44105128_?)dup

Gene: PGAM2 (phosphoglycerate mutase 2; minus strand). Cytogenetic location: 7p13.
Variant type: Duplication.
Identifiers: ClinVar variation 2422821 (VCV002422821.4).

ClinVar aggregate classification (germline): Uncertain significance (1 of 4 stars; one submission).

Conditions:
Glycogen storage disease type X (GSD10). Also called: GSD X; MYOPATHY DUE TO PHOSPHOGLYCERATE MUTASE DEFICIENCY; PGAMM DEFICIENCY; PHOSPHOGLYCERATE MUTASE, MUSCLE, DEFICIENCY OF; Dimauro disease; Glycogen storage disease due to phosphoglycerate mutase deficiency. Identifiers: Orphanet 97234, MedGen C0268149, MONDO:0009865, OMIM 261670.

Submission:

Labcorp Genetics (formerly Invitae), Labcorp
Classification: Uncertain significance for Glycogen storage disease type X. Last evaluated: 2022-09-03. Review status: criteria provided, single submitter. Criteria: Invitae Variant Classification Sherloc (09022015). Collection method: clinical testing. Allele origin: germline.
Comment: In summary, the available evidence is currently insufficient to determine the role of this variant in disease. Therefore, it has been classified as a Variant of Uncertain Significance. This variant has not been reported in the literature in individuals affected with PGAM2-related conditions. A copy number gain of the genomic region encompassing the full coding sequence of the PGAM2 gene has been identified. The boundaries of this event are unknown as they extend beyond the assayed region for this gene and therefore may encompass additional genes. As the precise location of this event is unknown, it may be in tandem or it may be located elsewhere in the genome.